The following is an entry in ClinVar:

NM_012330.4(KAT6B):c.467C>T (p.Ala156Val)

Gene: KAT6B (lysine acetyltransferase 6B; plus strand). Cytogenetic location: 10q22.2.
Variant type: single nucleotide variant.
Coding change: c.467C>T on transcript NM_012330.4 (MANE Select); coding-DNA position 467, C replaced by T.
Protein change: p.Ala156Val; replaces alanine 156 with valine.
Molecular consequence: missense variant. On other transcripts: 5 prime UTR variant (2).
Genome position (GRCh38, 1-based): chr10:74,843,324, C>T. VCF-style: chr10-74843324-C-T. GRCh37 (hg19) VCF-style: chr10-76603082-C-T.
Other names: c.467C>T, p.Ala156Val (NM_001256468.2, NM_001256469.2, NM_001370132.1 and 10 more transcripts); c.-72C>T (NM_001370134.1, NM_001370135.1); short protein forms A156V.
Identifiers: ClinVar variation 3016832 (VCV003016832.3), dbSNP rs2548335938, ClinGen allele CA377400102.
Genomic context (GRCh38, chr10:74,843,324, plus strand): 5'-AAAGTGATCTCACAAGCACCACCAACAACCCAGCCTTTCAGCAGCGGCTGCGACTGGGGG[C>T]CAAACGCGCTGTGAATAATGGGAGGTTACTGAAAGACGGACCGCAGTACAGGGTCAATTA-3'
Protein context (NP_036462.2, residues 146-166): PAFQQRLRLG[Ala156Val]KRAVNNGRLL

ClinVar aggregate classification (germline): Uncertain significance (1 of 4 stars; one submission).

Conditions:
Genitopatellar syndrome (GTPTS). Also called: Genitopatellar syndrome (GPS); ABSENT PATELLAE, SCROTAL HYPOPLASIA, RENAL ANOMALIES, FACIAL DYSMORPHISM, AND MENTAL RETARDATION. Identifiers: Orphanet 85201, MedGen C1853566, MONDO:0011640, OMIM 606170.

Allele frequency attached by ClinVar (database versions not stated): gnomAD exomes below 0.00001.
gnomAD v4.1: 2 of 1,613,510 alleles (0.00012%); highest among the groups gnomAD compares: Non-Finnish European, 0.00017%; no homozygotes.

Submission:

Labcorp Genetics (formerly Invitae), Labcorp
Classification: Uncertain significance for Genitopatellar syndrome. Last evaluated: 2023-03-10. Review status: criteria provided, single submitter. Criteria: Invitae Variant Classification Sherloc (09022015). Collection method: clinical testing. Allele origin: germline.
Comment: This sequence change replaces alanine, which is neutral and non-polar, with valine, which is neutral and non-polar, at codon 156 of the KAT6B protein (p.Ala156Val). This variant is not present in population databases (gnomAD no frequency). This variant has not been reported in the literature in individuals affected with KAT6B-related conditions. An algorithm developed to predict the effect of missense changes on protein structure and function (PolyPhen-2) suggests that this variant is likely to be disruptive. In summary, the available evidence is currently insufficient to determine the role of this variant in disease. Therefore, it has been classified as a Variant of Uncertain Significance.